The following is an entry in ClinVar:

NM_025179.4(PLXNA2):c.2851T>G (p.Phe951Val)

Gene: PLXNA2 (plexin A2; minus strand). Cytogenetic location: 1q32.2.
Variant type: single nucleotide variant.
Coding change: c.2851T>G on transcript NM_025179.4 (MANE Select); coding-DNA position 2851, T replaced by G.
Protein change: p.Phe951Val; replaces phenylalanine 951 with valine.
Molecular consequence: missense variant.
Genome position (GRCh38, 1-based): chr1:208,054,426, A>C on the plus strand (T>G on the coding strand, the complement: PLXNA2 is on the minus strand). VCF-style: chr1-208054426-A-C. GRCh37 (hg19) VCF-style: chr1-208227771-A-C.
Other names: short protein forms F951V.
Identifiers: ClinVar variation 4994251 (VCV004994251.1).

ClinVar aggregate classification (germline): Uncertain significance (1 of 4 stars; one submission).

Conditions:
PLXNA2-related disorder. Also called: PLXNA2-related condition.

Submission:

PreventionGenetics, part of Exact Sciences
Classification: Uncertain significance for PLXNA2-related condition. Last evaluated: 2026-03-02. Review status: criteria provided, single submitter. Criteria: ACMG Guidelines, 2015. Collection method: clinical testing. Allele origin: germline.
Comment: The PLXNA2 c.2851T>G variant is predicted to result in the amino acid substitution p.Phe951Val. To our knowledge, this variant has not been reported in the literature or in a large population database (gnomAD), indicating this variant is rare. At this time, the clinical significance of this variant is uncertain due to the absence of conclusive functional and genetic evidence.